The following is an entry in ClinVar:

ClinVar aggregate classification (germline): Uncertain significance (1 of 4 stars; one submission).

Conditions:
Familial adenomatous polyposis 1 (FAP1). Also called: FAMILIAL ADENOMATOUS POLYPOSIS 1, ATTENUATED; POLYPOSIS, ADENOMATOUS INTESTINAL. Identifiers: MedGen C2713442, MONDO:0021056, OMIM 175100. Disease mechanism: loss of function.

Submission:

Labcorp Genetics (formerly Invitae), Labcorp
Classification: Uncertain significance for Familial adenomatous polyposis 1. Last evaluated: 2023-04-26. Review status: criteria provided, single submitter. Criteria: Invitae Variant Classification Sherloc (09022015). Collection method: clinical testing. Allele origin: germline.
Comment: This variant is not present in population databases (gnomAD no frequency). This sequence change replaces proline, which is neutral and non-polar, with histidine, which is basic and polar, at codon 692 of the APC protein (p.Pro692His). This variant has not been reported in the literature in individuals affected with APC-related conditions. In summary, the available evidence is currently insufficient to determine the role of this variant in disease. Therefore, it has been classified as a Variant of Uncertain Significance. Advanced modeling of protein sequence and biophysical properties (such as structural, functional, and spatial information, amino acid conservation, physicochemical variation, residue mobility, and thermodynamic stability) performed at Invitae indicates that this missense variant is not expected to disrupt APC protein function.

NM_000038.6(APC):c.2075C>A (p.Pro692His)

Gene: APC (APC regulator of Wnt signaling pathway; plus strand). Cytogenetic location: 5q22.2.
Variant type: single nucleotide variant.
Coding change: c.2075C>A on transcript NM_000038.6 (MANE Select); coding-DNA position 2075, C replaced by A.
Protein change: p.Pro692His; replaces proline 692 with histidine.
Molecular consequence: missense variant. On other transcripts: non-coding transcript variant (2).
Genome position (GRCh38, 1-based): chr5:112,837,669, C>A. VCF-style: chr5-112837669-C-A. GRCh37 (hg19) VCF-style: chr5-112173366-C-A.
Other names: c.2075C>A, p.Pro692His (NM_001127510.3, NM_001354895.2, NM_001407450.1); c.2021C>A, p.Pro674His (NM_001127511.3); c.2129C>A, p.Pro710His (NM_001354896.2, NM_001407447.1, NM_001407448.1 and 1 more transcripts); c.2105C>A, p.Pro702His (NM_001354897.2); c.2000C>A, p.Pro667His (NM_001354898.2); c.1991C>A, p.Pro664His (NM_001354899.2); c.1952C>A, p.Pro651His (NM_001354900.2); c.1898C>A, p.Pro633His (NM_001354901.2, NM_001407453.1); and 11 more; short protein forms P566H, P601H, P532H, P651H, P664H, P692H, P702H, P710H.
Identifiers: ClinVar variation 2800408 (VCV002800408.3), dbSNP rs1322926033, ClinGen allele CA16025859.